The following is an entry in ClinVar:

NM_153717.3(EVC):c.872_873del (p.Asp290_Ser291insTer)

Gene: EVC (EvC ciliary complex subunit 1; plus strand). Cytogenetic location: 4p16.2.
Variant type: Microsatellite.
Coding change: c.872_873del on transcript NM_153717.3 (MANE Select); coding-DNA positions 872 to 873, 2 bases deleted (CT; older notation c.872_873delCT).
Protein change: p.Asp290_Ser291insTer.
Molecular consequence: nonsense.
Genome position (GRCh38, 1-based): chr4:5,745,274-5,745,275, CT deleted; deleting any 2 consecutive bases within chr4:5,745,272-5,745,275 gives the same sequence; the c. name uses the placement nearest the transcript's 3' end. VCF-style (leftmost placement, unchanged base first): chr4-5745271-ACT-A. GRCh37 (hg19) VCF-style: chr4-5746998-ACT-A.
Other names: c.872_873del, p.Asp290_Ser291insTer (NM_001306090.2, NM_001306092.2).
Identifiers: ClinVar variation 1969462 (VCV001969462.5), dbSNP rs2475060255, ClinGen allele CA549399453.
Genomic context (GRCh38, chr4:5,745,271, plus strand): 5'-AGGAACTAGAAAAGGGACTTCAGGTCAAACTGTCAAACACAGAAATGTCGGGGGCTGGTG[ACT>A]CTGAGTACATCACCCTGGCTGATGTGGAAAAGAAGGAGAGAGAATACTCTGAACAGCTAA-3'

ClinVar aggregate classification (germline): Pathogenic (1 of 4 stars; one submission).

Conditions:
Ellis-van Creveld syndrome (EVC). Also called: EVC-Related Ellis-van Creveld Syndrome; EVC2-Related Ellis-van Creveld Syndrome; Chondroectodermal dysplasia; MESOECTODERMAL DYSPLASIA. Identifiers: Orphanet 289, MedGen C0013903, MONDO:0009162, OMIM 225500.
Curry-Hall syndrome (WAD). Also called: WEYERS ACRODENTAL DYSOSTOSIS. Identifiers: Orphanet 952, MedGen C0457013, MONDO:0008673, OMIM 193530.

Submission:

Labcorp Genetics (formerly Invitae), Labcorp
Classification: Pathogenic for Curry-Hall syndrome; Ellis-van Creveld syndrome. Last evaluated: 2023-11-24. Review status: criteria provided, single submitter. Criteria: Invitae Variant Classification Sherloc (09022015). Collection method: clinical testing. Allele origin: germline.
Comment: This sequence change creates a premature translational stop signal (p.Ser291*) in the EVC gene. It is expected to result in an absent or disrupted protein product. Loss-of-function variants in EVC are known to be pathogenic (PMID: 23220543). This variant is present in population databases (no rsID available, gnomAD 0.0009%). This variant has not been reported in the literature in individuals affected with EVC-related conditions. For these reasons, this variant has been classified as Pathogenic.

Literature cited by the submitters: PubMed 23220543.